The following is an entry in ClinVar:

NM_000057.4(BLM):c.2411G>A (p.Gly804Glu)

Gene: BLM (BLM RecQ like helicase; plus strand). Cytogenetic location: 15q26.1.
Variant type: single nucleotide variant.
Coding change: c.2411G>A on transcript NM_000057.4 (MANE Select); coding-DNA position 2411, G replaced by A.
Protein change: p.Gly804Glu; replaces glycine 804 with glutamic acid.
Molecular consequence: missense variant.
Genome position (GRCh38, 1-based): chr15:90,769,442, G>A. VCF-style: chr15-90769442-G-A. GRCh37 (hg19) VCF-style: chr15-91312672-G-A.
Other names: c.2411G>A, p.Gly804Glu (NM_001287246.2, NM_001287247.2); c.1286G>A, p.Gly429Glu (NM_001287248.2); short protein forms G804E, G429E.
Identifiers: ClinVar variation 1790899 (VCV001790899.4), dbSNP rs2505456313, ClinGen allele CA393845257.

ClinVar aggregate classification (germline): Uncertain significance. Review status: criteria provided, multiple submitters, no conflicts (2 of 4 stars). 2 submissions from 2 submitters: Uncertain significance (2). Last evaluated 2024-12-23.

Conditions:
Hereditary cancer-predisposing syndrome. Also called: Hereditary Cancer Syndrome; Hereditary neoplastic syndrome; Tumor predisposition; Neoplastic Syndromes, Hereditary. Identifiers: Orphanet 140162, MedGen C0027672, MeSH D009386, MONDO:0015356.
Bloom syndrome (BLM). Also called: Bloom-Torre-Machacek syndrome. Identifiers: Orphanet 125, MedGen C0005859, MONDO:0008876, OMIM 210900.

Submissions (2):

Labcorp Genetics (formerly Invitae), Labcorp
Classification: Uncertain significance for Bloom syndrome. Last evaluated: 2024-12-23. Review status: criteria provided, single submitter. Criteria: Invitae Variant Classification Sherloc (09022015). Collection method: clinical testing. Allele origin: germline.
Comment: This sequence change replaces glycine, which is neutral and non-polar, with glutamic acid, which is acidic and polar, at codon 804 of the BLM protein (p.Gly804Glu). This variant is not present in population databases (gnomAD no frequency). This variant has not been reported in the literature in individuals affected with BLM-related conditions. ClinVar contains an entry for this variant (Variation ID: 1790899). Invitae Evidence Modeling of protein sequence and biophysical properties (such as structural, functional, and spatial information, amino acid conservation, physicochemical variation, residue mobility, and thermodynamic stability) indicates that this missense variant is expected to disrupt BLM protein function with a positive predictive value of 80%. In summary, the available evidence is currently insufficient to determine the role of this variant in disease. Therefore, it has been classified as a Variant of Uncertain Significance.

Ambry Genetics
Classification: Uncertain significance for Hereditary cancer-predisposing syndrome. Last evaluated: 2020-11-25. Review status: criteria provided, single submitter. Criteria: Ambry Variant Classification Scheme 2023. Collection method: clinical testing. Allele origin: germline.
Comment: The p.G804E variant (also known as c.2411G>A), located in coding exon 11 of the BLM gene, results from a G to A substitution at nucleotide position 2411. The glycine at codon 804 is replaced by glutamic acid, an amino acid with similar properties. This amino acid position is highly conserved in available vertebrate species. In addition, this alteration is predicted to be deleterious by in silico analysis. Since supporting evidence is limited at this time, the clinical significance of this alteration remains unclear.